The following is an entry in ClinVar:

NM_004380.3(CREBBP):c.4394+8T>C

Gene: CREBBP (CREB binding lysine acetyltransferase; minus strand). Cytogenetic location: 16p13.3.
Variant type: single nucleotide variant.
Coding change: c.4394+8T>C on transcript NM_004380.3 (MANE Select); 8 bases into the intron after coding-DNA position 4394, T replaced by C.
Molecular consequence: intron variant.
Genome position (GRCh38, 1-based): chr16:3,738,551, A>G on the plus strand (T>C on the coding strand, the complement: CREBBP is on the minus strand). VCF-style: chr16-3738551-A-G. GRCh37 (hg19) VCF-style: chr16-3788552-A-G.
Other names: c.4280+8T>C (NM_001079846.1).
Identifiers: ClinVar variation 772731 (VCV000772731.11), dbSNP rs750961246, ClinGen allele CA7869546.
Genomic context (GRCh38, chr16:3,738,551, plus strand): 5'-CACGGAATAAACATACAGTAAAAAATAAAGGGTTCTTACTAGTTCCAAATAATTTAATCC[A>G]AACTCACCCTAATTTCTTCACATACTCTAAATATCCAATAAGGATCTCATGGTAAACGGC-3'

ClinVar aggregate classification (germline): Likely benign. Review status: criteria provided, single submitter (1 of 4 stars). 2 submissions from 2 submitters: Likely benign (1). 1 of the submissions does not count toward it. Last evaluated 2025-09-16.

Conditions:
Rubinstein-Taybi syndrome (RSTS). Identifiers: Orphanet 783, MedGen C0035934, MONDO:0019188.
CREBBP-related disorder. Also called: CREBBP-related disorders; CREBBP-related condition.

Allele frequency attached by ClinVar (database versions not stated): gnomAD exomes 0.00001; TOPMed 0.00001; ExAC 0.00002; gnomAD 0.00002.
gnomAD v4.1: 14 of 1,550,816 alleles (0.0009%); highest among the groups gnomAD compares: Admixed American, 0.01%; no homozygotes.

Submissions (2):

Labcorp Genetics (formerly Invitae), Labcorp
Classification: Likely benign for Rubinstein-Taybi syndrome. Last evaluated: 2025-09-16. Review status: criteria provided, single submitter. Criteria: Invitae Variant Classification Sherloc (09022015). Collection method: clinical testing. Allele origin: germline.

PreventionGenetics, part of Exact Sciences
Classification: Likely benign for CREBBP-related condition. Last evaluated: 2021-09-01. Review status: no assertion criteria provided. Collection method: clinical testing. Allele origin: germline. Not counted in ClinVar's aggregate classification.
Comment: This variant is classified as likely benign based on ACMG/AMP sequence variant interpretation guidelines (Richards et al. 2015 PMID: 25741868, with internal and published modifications).